The following is an entry in ClinVar:

NM_024675.4(PALB2):c.2552dup (p.Asn851fs)

Gene: PALB2 (partner and localizer of BRCA2; minus strand). Cytogenetic location: 16p12.2.
Variant type: Duplication.
Coding change: c.2552dup on transcript NM_024675.4 (MANE Select); coding-DNA position 2552, one base duplicated (A; older notation c.2552dupA).
Protein change: p.Asn851fs; shifts the reading frame from asparagine 851.
Molecular consequence: frameshift variant. On other transcripts: intron variant (1).
Genome position (GRCh38, 1-based): chr16:23,629,238, T duplicated on the plus strand (A on the coding strand, the reverse complement: PALB2 is on the minus strand); the first of 3 consecutive T bases (chr16:23,629,238-23,629,240); duplicating any one gives the same sequence. VCF-style (leftmost placement, unchanged base first): chr16-23629237-G-GT. GRCh37 (hg19) VCF-style: chr16-23640558-G-GT.
Other names: c.86dup, p.Asn29fs (NM_001407314.1); c.2514+402dup (NM_001407297.1); c.2492dup, p.Asn831fs (NM_001407296.1); c.2552dup, p.Asn851fs (NM_001407298.1, NM_001407299.1, NM_001407300.1 and 2 more transcripts); c.1667dup, p.Asn556fs (NM_001407304.1, NM_001407305.1, NM_001407306.1 and 5 more transcripts); c.764dup, p.Asn255fs (NM_001407312.1, NM_001407313.1); short protein forms N255fs, N29fs, N556fs, N831fs, N851fs.
Identifiers: ClinVar variation 2674074 (VCV002674074.3), dbSNP rs2506396717, ClinGen allele CA2632328945.
Genomic context (GRCh38, chr16:23,629,237, plus strand): 5'-GACACTGGAAGAGAATATTCTTCTGACCTTTAACTCTGAAACCAATTGTAGGTTGCCTGG[G>GT]TTTATGCTATCAGAAGCAGGAAGCTCTGCTGTTTCAGTCTGTGAAAACAAAAGTCACATC-3'

ClinVar aggregate classification (germline): Pathogenic. Review status: criteria provided, multiple submitters, no conflicts (2 of 4 stars). 2 submissions from 2 submitters: Pathogenic (2). Last evaluated 2023-09-13.

Conditions:
Hereditary cancer-predisposing syndrome. Also called: Tumor predisposition; Hereditary neoplastic syndrome; Neoplastic Syndromes, Hereditary; Hereditary Cancer Syndrome. Identifiers: Orphanet 140162, MedGen C0027672, MeSH D009386, MONDO:0015356.
Familial cancer of breast. Also called: Hereditary breast cancer; BREAST CANCER, FAMILIAL; hereditary breast carcinoma. Identifiers: Orphanet 227535, MedGen C0346153, MONDO:0016419, OMIM 114480. Disease mechanism: loss of function.

Submissions (2):

Myriad Genetics, Inc.
Classification: Pathogenic for Familial cancer of breast. Last evaluated: 2023-09-13. Review status: criteria provided, single submitter. Criteria: Myriad Autosomal Dominant, Autosomal Recessive and X-Linked Classification Criteria (2023). Collection method: clinical testing. Allele origin: unknown.
Comment: This variant is considered pathogenic. This variant creates a frameshift predicted to result in premature protein truncation.

Color Diagnostics, LLC DBA Color Health
Classification: Pathogenic for Hereditary cancer-predisposing syndrome. Last evaluated: 2021-08-03. Review status: criteria provided, single submitter. Criteria: ACMG Guidelines, 2015. Collection method: clinical testing. Allele origin: germline.
Comment: This variant inserts 1 nucleotide in exon 6 of the PALB2 gene, creating a frameshift and premature translation stop signal. This variant is expected to result in an absent or non-functional protein product. To our knowledge, this variant has not been reported in individuals affected with hereditary cancer in the literature. This variant has not been identified in the general population by the Genome Aggregation Database (gnomAD). Loss of PALB2 function is a known mechanism of disease. Based on the available evidence, this variant is classified as Pathogenic.